The following is an entry in ClinVar:

ClinVar aggregate classification (germline): Pathogenic. Review status: criteria provided, multiple submitters, no conflicts (2 of 4 stars). 4 submissions from 4 submitters: Pathogenic (3). 1 of the submissions does not count toward it. Last evaluated 2022-06-20.

Conditions:
Ornithine carbamoyltransferase deficiency (OTCD). Also called: ORNITHINE TRANSCARBAMYLASE DEFICIENCY, HYPERAMMONEMIA DUE TO; ORNITHINE TRANSCARBAMYLASE DEFICIENCY; OTC DEFICIENCY; Ornithine Carbamoyltransferase Deficiency Disease. Identifiers: Orphanet 664, MedGen C0268542, MONDO:0010703, OMIM 311250.

Submissions (4):

Labcorp Genetics (formerly Invitae), Labcorp
Classification: Pathogenic for Ornithine carbamoyltransferase deficiency. Last evaluated: 2022-06-20. Review status: criteria provided, single submitter. Criteria: Invitae Variant Classification Sherloc (09022015). Collection method: clinical testing. Allele origin: germline.
Comment: This sequence change creates a premature translational stop signal (p.Gln69*) in the OTC gene. It is expected to result in an absent or disrupted protein product. Loss-of-function variants in OTC are known to be pathogenic (PMID: 10946359, 16786505). This variant is not present in population databases (gnomAD no frequency). This premature translational stop signal has been observed in individual(s) with ornithine transcarbamylase deficiency (PMID: 10502831). In at least one individual the variant was observed to be de novo. ClinVar contains an entry for this variant (Variation ID: 97133). For these reasons, this variant has been classified as Pathogenic.

Genome-Nilou Lab
Classification: Pathogenic for Ornithine carbamoyltransferase deficiency. Last evaluated: 2021-11-07. Review status: criteria provided, single submitter. Criteria: ACMG Guidelines, 2015. Collection method: clinical testing. Allele origin: germline. Affected: no.

Eurofins Ntd Llc (ga)
Classification: Pathogenic. Last evaluated: 2018-05-15. Review status: criteria provided, single submitter. Criteria: EGL ClinVar v180209 classification definitions. Collection method: clinical testing. Allele origin: germline. Observed: 1 variant allele, 1 heterozygote.

GenMed Metabolism Lab
Classification: Pathogenic. Review status: no assertion criteria provided. Collection method: not provided. Allele origin: unknown. Not counted in ClinVar's aggregate classification.
ClinVar note: Converted during submission from pathogenic to Pathogenic.

Literature cited by the submitters: PubMed 10946359 (cited by Labcorp Genetics (formerly Invitae), Labcorp); PubMed 16786505 (cited by Labcorp Genetics (formerly Invitae), Labcorp); PubMed 10502831 (cited by Labcorp Genetics (formerly Invitae), Labcorp).

NM_000531.6(OTC):c.205C>T (p.Gln69Ter)

Gene: OTC (ornithine transcarbamylase; plus strand). Cytogenetic location: Xp11.4.
Variant type: single nucleotide variant.
Coding change: c.205C>T on transcript NM_000531.6 (MANE Select); coding-DNA position 205, C replaced by T.
Protein change: p.Gln69Ter; replaces glutamine 69 with a stop codon.
Molecular consequence: nonsense.
Genome position (GRCh38, 1-based): chrX:38,367,418, C>T. VCF-style: chrX-38367418-C-T. GRCh37 (hg19) VCF-style: chrX-38226671-C-T.
Other names: short protein forms Q69*.
Identifiers: ClinVar variation 97133 (VCV000097133.15), dbSNP rs72554326, ClinGen allele CA224500.